The following is an entry in ClinVar:

ClinVar aggregate classification (germline): Pathogenic (1 of 4 stars; one submission).

Conditions:
Nephronophthisis. Also called: Juvenile Nephronophthisis. Identifiers: Orphanet 655, MedGen C0687120, MONDO:0019005, HP:0000090.

Allele frequency attached by ClinVar (database versions not stated): ExAC 0.00001.

Submission:

Labcorp Genetics (formerly Invitae), Labcorp
Classification: Pathogenic for Nephronophthisis. Last evaluated: 2024-02-24. Review status: criteria provided, single submitter. Criteria: Invitae Variant Classification Sherloc (09022015). Collection method: clinical testing. Allele origin: germline.
Comment: This sequence change creates a premature translational stop signal (p.Gln153*) in the NPHP3 gene. It is expected to result in an absent or disrupted protein product. Loss-of-function variants in NPHP3 are known to be pathogenic (PMID: 18371931, 23559409). The frequency data for this variant in the population databases is considered unreliable, as metrics indicate poor data quality at this position in the gnomAD database. This variant has not been reported in the literature in individuals affected with NPHP3-related conditions. ClinVar contains an entry for this variant (Variation ID: 2046968). Algorithms developed to predict the effect of sequence changes on RNA splicing suggest that this variant may disrupt the consensus splice site. For these reasons, this variant has been classified as Pathogenic.

Literature cited by the submitters: PubMed 18371931; PubMed 23559409.

NM_153240.5(NPHP3):c.457C>T (p.Gln153Ter)

Genes: NPHP3 (nephrocystin 3; minus strand), NPHP3-ACAD11 (NPHP3-ACAD11 readthrough (NMD candidate); minus strand). Cytogenetic location: 3q22.1.
Variant type: single nucleotide variant.
Coding change: c.457C>T on transcript NM_153240.5 (MANE Select); coding-DNA position 457, C replaced by T.
Protein change: p.Gln153Ter; replaces glutamine 153 with a stop codon.
Molecular consequence: nonsense. On other transcripts: non-coding transcript variant (1).
Genome position (GRCh38, 1-based): chr3:132,719,767, G>A on the plus strand (C>T on the coding strand, the complement: NPHP3 is on the minus strand). VCF-style: chr3-132719767-G-A. GRCh37 (hg19) VCF-style: chr3-132438611-G-A.
Other names: short protein forms Q153*.
Identifiers: ClinVar variation 2046968 (VCV002046968.4), dbSNP rs751828098, ClinGen allele CA2622602.
Genomic context (GRCh38, chr3:132,719,767, plus strand): 5'-TGAATTGCCTTTTAACTTTATCTCTGTCATGTTCAAATGTTGCTGCTCTCTCCATTGCTT[G>A]GTATTTCGCTTCTAAAGCACTTTCTTTTTCTCGAAGTATCTTCTGATACGTTTTTTGAAG-3'